The following is an entry in ClinVar:

NM_000717.5(CA4):c.652T>C (p.Phe218Leu)

Gene: CA4 (carbonic anhydrase 4; plus strand). Cytogenetic location: 17q23.1.
Variant type: single nucleotide variant.
Coding change: c.652T>C on transcript NM_000717.5 (MANE Select); coding-DNA position 652, T replaced by C.
Protein change: p.Phe218Leu; replaces phenylalanine 218 with leucine.
Molecular consequence: missense variant. On other transcripts: non-coding transcript variant (1).
Genome position (GRCh38, 1-based): chr17:60,158,354, T>C. VCF-style: chr17-60158354-T-C. GRCh37 (hg19) VCF-style: chr17-58235715-T-C.
Other names: short protein forms F218L.
Identifiers: ClinVar variation 3611114 (VCV003611114.2).

ClinVar aggregate classification (germline): Uncertain significance (1 of 4 stars; one submission).

gnomAD v4.1: 6 of 1,614,062 alleles (0.00037%); highest among the groups gnomAD compares: Non-Finnish European, 0.00017%; no homozygotes.

Submission:

Labcorp Genetics (formerly Invitae), Labcorp
Classification: Uncertain significance. Last evaluated: 2024-09-03. Review status: criteria provided, single submitter. Criteria: Invitae Variant Classification Sherloc (09022015). Collection method: clinical testing. Allele origin: germline.
Comment: This sequence change replaces phenylalanine, which is neutral and non-polar, with leucine, which is neutral and non-polar, at codon 218 of the CA4 protein (p.Phe218Leu). This variant is present in population databases (rs777060818, gnomAD 0.02%). This variant has not been reported in the literature in individuals affected with CA4-related conditions. Invitae Evidence Modeling of protein sequence and biophysical properties (such as structural, functional, and spatial information, amino acid conservation, physicochemical variation, residue mobility, and thermodynamic stability) has been performed for this missense variant. However, the output from this modeling did not meet the statistical confidence thresholds required to predict the impact of this variant on CA4 protein function. In summary, the available evidence is currently insufficient to determine the role of this variant in disease. Therefore, it has been classified as a Variant of Uncertain Significance.